The following is an entry in ClinVar:

ClinVar aggregate classification (germline): Conflicting classifications of pathogenicity. Review status: criteria provided, conflicting classifications (1 of 4 stars). 8 submissions from 8 submitters: Uncertain significance (7); Likely benign (1). Last evaluated 2026-01-26.

Conditions:
Hereditary cancer-predisposing syndrome. Also called: Hereditary Cancer Syndrome; Hereditary neoplastic syndrome; Tumor predisposition; Neoplastic Syndromes, Hereditary. Identifiers: Orphanet 140162, MedGen C0027672, MeSH D009386, MONDO:0015356.
Hereditary breast ovarian cancer syndrome. Also called: Hereditary breast and ovarian cancer syndrome; Hereditary breast and ovarian cancer syndrome (HBOC); BRCA1- and BRCA2-Associated Hereditary Breast and Ovarian Cancer; Breast and ovarian cancer; Hereditary breast and ovarian cancer; Hereditary breast and/or ovarian cancer syndrome. Identifiers: Orphanet 145, MedGen C0677776, MeSH D061325, MONDO:0003582. Disease mechanism: loss of function.
Breast-ovarian cancer, familial, susceptibility to, 1 (BROVCA1). Also called: OVARIAN CANCER, SUSCEPTIBILITY TO; BRCA1 Hereditary Breast and Ovarian Cancer. Identifiers: Orphanet 145, MedGen C2676676, MONDO:0011450, OMIM 604370. Disease mechanism: loss of function.

Allele frequency attached by ClinVar (database versions not stated): TOPMed 0.00003; gnomAD 0.00004; ESP Exome Variant Server 0.00008.
gnomAD v4.1: 8 of 1,613,818 alleles (0.0005%); highest among the groups gnomAD compares: African/African-American, 0.011%; no homozygotes.

Submissions (8):

Women's Health and Genetics/Laboratory Corporation of America, LabCorp
Classification: Uncertain significance. Last evaluated: 2026-01-26. Review status: criteria provided, single submitter. Criteria: LabCorp Variant Classification Summary - May 2015. Collection method: clinical testing. Allele origin: germline.
Comment: Variant summary: BRCA1 c.2518A>G (p.Ser840Gly) results in a non-conservative amino acid change in the encoded protein sequence. Algorithms developed to predict the effect of missense changes on protein structure and function are either unavailable or do not agree on the potential impact of this missense change. The variant allele was found at a frequency of 4e-06 in 251094 control chromosomes (gnomAD). The available data on variant occurrences in the general population are insufficient to allow any conclusion about variant significance. c.2518A>G has been observed in an individual affected with unilateral breast cancer (Borg 2010, Capanu 2011). These reports do not provide unequivocal conclusions about association of the variant with Hereditary Breast And Ovarian Cancer Syndrome. At-least one co-occurrence with anoother pathogenic variant has been observed at our laboratory (BRCA1 c.3756_3759delGTCT, p.Ser1253fsX10), providing supporting evidence for a benign role.To our knowledge, no experimental evidence demonstrating an impact on protein function has been reported. The following publications have been ascertained in the context of this evaluation (PMID: 20104584, 21520273). ClinVar contains an entry for this variant (Variation ID: 187463). Based on the evidence outlined above, the variant was classified as uncertain significance.

Labcorp Genetics (formerly Invitae), Labcorp
Classification: Uncertain significance for Hereditary breast ovarian cancer syndrome. Last evaluated: 2026-01-06. Review status: criteria provided, single submitter. Criteria: Invitae Variant Classification Sherloc (09022015). Collection method: clinical testing. Allele origin: germline.
Comment: This sequence change replaces serine, which is neutral and polar, with glycine, which is neutral and non-polar, at codon 840 of the BRCA1 protein (p.Ser840Gly). This variant is present in population databases (rs377475866, gnomAD 0.007%). This missense change has been observed in individual(s) with breast cancer (PMID: 20104584). ClinVar contains an entry for this variant (Variation ID: 187463). Invitae Evidence Modeling of protein sequence and biophysical properties (such as structural, functional, and spatial information, amino acid conservation, physicochemical variation, residue mobility, and thermodynamic stability) indicates that this missense variant is not expected to disrupt BRCA1 protein function with a negative predictive value of 80%. In summary, the available evidence is currently insufficient to determine the role of this variant in disease. Therefore, it has been classified as a Variant of Uncertain Significance.

Ambry Genetics
Classification: Uncertain significance for Hereditary cancer-predisposing syndrome. Last evaluated: 2024-07-19. Review status: criteria provided, single submitter. Criteria: Ambry Variant Classification Scheme 2023. Collection method: clinical testing. Allele origin: germline.
Comment: The p.S840G variant (also known as c.2518A>G), located in coding exon 9 of the BRCA1 gene, results from an A to G substitution at nucleotide position 2518. The serine at codon 840 is replaced by glycine, an amino acid with similar properties. In one study, this alteration was detected in 1/1398 patients with unilateral breast cancer and in none of the 705 patients tested with contralateral breast cancer (Borg, A et al. Hum Mutat. 2010 Mar;31(3):E1200-40). This amino acid position is poorly conserved in available vertebrate species. In addition, this alteration is predicted to be tolerated by in silico analysis. Since supporting evidence is limited at this time, the clinical significance of this alteration remains unclear.

Quest Diagnostics Nichols Institute San Juan Capistrano
Classification: Uncertain significance. Last evaluated: 2024-02-08. Review status: criteria provided, single submitter. Criteria: Quest Diagnostics criteria. Collection method: clinical testing. Allele origin: unknown.
Comment: The BRCA1 c.2518A>G (p.Ser840Gly) variant has been reported in the published literature in individuals with breast cancer (PMID: 20104584 (2010), 21520273 (2011)). This variant has also been reported to be in located in a region of the BRCA1 gene that is tolerant to missense changes (PMID: 31911673 (2020)). The frequency of this variant in the general population, 0.000004 (1/251094 chromosomes (Genome Aggregation Database)), is uninformative in the assessment of its pathogenicity. Analysis of this variant using bioinformatics tools for the prediction of the effect of amino acid changes on protein structure and function yielded predictions that this variant is benign. Based on the available information, we are unable to determine the clinical significance of this variant.

GeneDx
Classification: Uncertain significance. Last evaluated: 2023-11-10. Review status: criteria provided, single submitter. Criteria: GeneDx Variant Classification Process June 2021. Collection method: clinical testing. Allele origin: germline. Affected: yes.
Comment: Observed in individuals with breast cancer (PMID: 20104584); In silico analysis supports that this missense variant does not alter protein structure/function; Not observed at significant frequency in large population cohorts (gnomAD); Also known as 2637A>G; This variant is associated with the following publications: (PMID: 21520273, 20104584, 15343273)

All of Us Research Program, National Institutes of Health
Classification: Uncertain significance for Breast-ovarian cancer, familial, susceptibility to, 1. Last evaluated: 2023-06-08. Review status: criteria provided, single submitter. Criteria: ACMG Guidelines, 2015. Collection method: clinical testing. Allele origin: germline. Inheritance: Autosomal dominant inheritance. Observed: 1 variant allele, 1 heterozygote.
Comment: This missense variant replaces serine with glycine at codon 840 of the BRCA1 protein. Computational prediction suggests that this variant may not impact protein structure and function (internally defined REVEL score threshold <= 0.5, PMID: 27666373). To our knowledge, functional studies have not been reported for this variant. This variant has been reported in an individual affected with breast cancer (PMID: 20104584) and also in an individual with a pathogenic BRCA1 co-variant but the individual's cancer health history was not provided (ClinVar: SCV001361737.1). This variant has been identified in 1/251094 chromosomes in the general population by the Genome Aggregation Database (gnomAD). The available evidence is insufficient to determine the role of this variant in disease conclusively. Therefore, this variant is classified as a Variant of Uncertain Significance.

This study involves interpretation of variants in research participants for the purpose of population health screening. Participant phenotype was not available at the time of variant classification. Additional details can be found in publication PMID: 35346344, PMCID: PMC8962531

Color Diagnostics, LLC DBA Color Health
Classification: Uncertain significance for Hereditary cancer-predisposing syndrome. Last evaluated: 2023-05-18. Review status: criteria provided, single submitter. Criteria: ACMG Guidelines, 2015. Collection method: clinical testing. Allele origin: germline.
Comment: This missense variant replaces serine with glycine at codon 840 of the BRCA1 protein. Computational prediction suggests that this variant may not impact protein structure and function (internally defined REVEL score threshold <= 0.5, PMID: 27666373). To our knowledge, functional studies have not been reported for this variant. This variant has been reported in an individual affected with breast cancer (PMID: 20104584) and also in an individual with a pathogenic BRCA1 co-variant but the individual's cancer health history was not provided (ClinVar: SCV001361737.1). This variant has been identified in 1/251094 chromosomes in the general population by the Genome Aggregation Database (gnomAD). The available evidence is insufficient to determine the role of this variant in disease conclusively. Therefore, this variant is classified as a Variant of Uncertain Significance.

University of Washington Department of Laboratory Medicine, University of Washington
Classification: Likely benign for Hereditary cancer-predisposing syndrome. Last evaluated: 2023-03-23. Review status: criteria provided, single submitter. Criteria: Dines et al. (Genet Med. 2020). Collection method: curation. Allele origin: germline.
Comment: Missense variant in a coldspot region where missense variants are very unlikely to be pathogenic (PMID:31911673).

BRCA1 coldspot (exon 11 using historical exon numbering). Reclassification based on statistical prior probability

Literature cited by the submitters: PubMed 20104584 (cited by 5 submitters); PubMed 21520273 (cited by Women's Health and Genetics/Laboratory Corporation of America, LabCorp and Quest Diagnostics Nichols Institute San Juan Capistrano); PubMed 31911673 (cited by Quest Diagnostics Nichols Institute San Juan Capistrano).

NM_007294.4(BRCA1):c.2518A>G (p.Ser840Gly)

Gene: BRCA1 (BRCA1 DNA repair associated; minus strand). Cytogenetic location: 17q21.31.
Variant type: single nucleotide variant.
Coding change: c.2518A>G on transcript NM_007294.4 (MANE Select); coding-DNA position 2518, A replaced by G.
Protein change: p.Ser840Gly; replaces serine 840 with glycine.
Molecular consequence: missense variant. On other transcripts: intron variant (137).
Genome position (GRCh38, 1-based): chr17:43,093,013, T>C on the plus strand (A>G on the coding strand, the complement: BRCA1 is on the minus strand). VCF-style: chr17-43093013-T-C. GRCh37 (hg19) VCF-style: chr17-41245030-T-C.
Other names: c.2305A>G, p.Ser769Gly (NM_001407571.1, NM_001407915.1, NM_001407853.1 and 9 more transcripts); c.2518A>G, p.Ser840Gly (NM_001407581.1, NM_001407582.1, NM_001407583.1 and 30 more transcripts); c.2515A>G, p.Ser839Gly (NM_001407587.1, NM_001407590.1, NM_001407591.1 and 22 more transcripts); c.2392A>G, p.Ser798Gly (NM_001407649.1, NM_001407670.1, NM_001407671.1 and 11 more transcripts); c.2440A>G, p.Ser814Gly (NM_001407653.1, NM_001407654.1, NM_001407655.1 and 4 more transcripts); c.2437A>G, p.Ser813Gly (NM_001407659.1, NM_001407660.1, NM_001407661.1 and 1 more transcripts); c.2395A>G, p.Ser799Gly (NM_001407674.1, NM_001407675.1, NM_001407676.1 and 19 more transcripts); c.2377A>G, p.Ser793Gly (NM_001407692.1, NM_001407694.1, NM_001407695.1 and 29 more transcripts); and 41 more; short protein forms S840G, S793G, S713G, S799G, S729G, S751G, S770G, S772G.
Identifiers: ClinVar variation 187463 (VCV000187463.32), dbSNP rs377475866, ClinGen allele CA001667.
Genomic context (GRCh38, chr17:43,093,013, plus strand): 5'-TATTCTGCAAATACTGAGCATCAAGTTCACTTTCTTCCATTTCTATGCTTGTTTCCCGAC[T>C]GTGGTTAACTTCATGTCCCAATGGATACTTAAAGCCTTCTGTGTCATTTCTATTATCTTT-3'
Protein context (NP_009225.1, residues 830-850): KYPLGHEVNH[Ser840Gly]RETSIEMEES